The following is an entry in ClinVar:

NM_025132.4(WDR19):c.2292A>T (p.Gln764His)

Gene: WDR19 (WD repeat domain 19; plus strand). Cytogenetic location: 4p14.
Variant type: single nucleotide variant.
Coding change: c.2292A>T on transcript NM_025132.4 (MANE Select); coding-DNA position 2292, A replaced by T.
Protein change: p.Gln764His; replaces glutamine 764 with histidine.
Molecular consequence: missense variant.
Genome position (GRCh38, 1-based): chr4:39,234,804, A>T. VCF-style: chr4-39234804-A-T. GRCh37 (hg19) VCF-style: chr4-39236424-A-T.
Other names: c.1812A>T, p.Gln604His (NM_001317924.2); short protein forms Q604H, Q764H.
Identifiers: ClinVar variation 850514 (VCV000850514.6), dbSNP rs1340705825, ClinGen allele CA356635295.

ClinVar aggregate classification (germline): Uncertain significance. Review status: criteria provided, multiple submitters, no conflicts (2 of 4 stars). 3 submissions from 3 submitters: Uncertain significance (3). Last evaluated 2025-04-04.

Conditions:
Asphyxiating thoracic dystrophy 5 (SRTD5). Also called: SHORT-RIB THORACIC DYSPLASIA 5 WITH OR WITHOUT POLYDACTYLY; SHORT-RIB THORACIC DYSPLASIA 5 WITHOUT POLYDACTYLY. Identifiers: Orphanet 474, MedGen C3280598, MONDO:0013717, OMIM 614376.
Senior-Loken syndrome 8 (SLSN8). Identifiers: Orphanet 3156, MedGen C4225376, MONDO:0014579, OMIM 616307.
Inborn genetic diseases. Identifiers: MedGen C0950123, MeSH D030342.

Allele frequency attached by ClinVar (database versions not stated): TOPMed 0.00001; gnomAD exomes 0.00003; gnomAD 0.00006.
gnomAD v4.1: 24 of 1,585,352 alleles (0.0015%); highest among the groups gnomAD compares: Admixed American, 0.043%; no homozygotes.

Submissions (3):

Ambry Genetics
Classification: Uncertain significance for Inborn genetic diseases. Last evaluated: 2025-04-04. Review status: criteria provided, single submitter. Criteria: Ambry Variant Classification Scheme 2023. Collection method: clinical testing. Allele origin: germline.

Blueprint Genetics
Classification: Uncertain significance. Last evaluated: 2024-05-29. Review status: criteria provided, single submitter. Criteria: ACMG Guidelines, 2015. Collection method: clinical testing. Allele origin: germline.

Labcorp Genetics (formerly Invitae), Labcorp
Classification: Uncertain significance for Senior-Loken syndrome 8; Asphyxiating thoracic dystrophy 5. Last evaluated: 2023-07-10. Review status: criteria provided, single submitter. Criteria: Invitae Variant Classification Sherloc (09022015). Collection method: clinical testing. Allele origin: germline.
Comment: In summary, the available evidence is currently insufficient to determine the role of this variant in disease. Therefore, it has been classified as a Variant of Uncertain Significance. Advanced modeling of protein sequence and biophysical properties (such as structural, functional, and spatial information, amino acid conservation, physicochemical variation, residue mobility, and thermodynamic stability) performed at Invitae indicates that this missense variant is not expected to disrupt WDR19 protein function. ClinVar contains an entry for this variant (Variation ID: 850514). This variant has not been reported in the literature in individuals affected with WDR19-related conditions. This variant is present in population databases (no rsID available, gnomAD 0.02%). This sequence change replaces glutamine, which is neutral and polar, with histidine, which is basic and polar, at codon 764 of the WDR19 protein (p.Gln764His).